The following is an entry in ClinVar:

ClinVar aggregate classification (germline): Pathogenic (1 of 4 stars; one submission).

Conditions:
Breast-ovarian cancer, familial, susceptibility to, 4. Identifiers: Orphanet 145, MedGen C3280345, MONDO:0013669, OMIM 614291.

Submission:

Myriad Genetics, Inc.
Classification: Pathogenic for Breast-ovarian cancer, familial, susceptibility to, 4. Last evaluated: 2024-01-04. Review status: criteria provided, single submitter. Criteria: Myriad Autosomal Dominant, Autosomal Recessive and X-Linked Classification Criteria (2023). Collection method: clinical testing. Allele origin: unknown.
Comment: This variant is considered pathogenic. This variant creates a frameshift predicted to result in premature protein truncation.

NM_002878.4(RAD51D):c.605del (p.Val202fs)

Genes: RAD51L3-RFFL (RAD51L3-RFFL readthrough; minus strand), RAD51D (RAD51 paralog D; minus strand). Cytogenetic location: 17q12.
Variant type: Deletion.
Coding change: c.605del on transcript NM_002878.4 (MANE Select); coding-DNA position 605, one base deleted (T; older notation c.605delT).
Protein change: p.Val202fs; shifts the reading frame from valine 202.
Molecular consequence: frameshift variant. On other transcripts: non-coding transcript variant (3).
Genome position (GRCh38, 1-based): chr17:35,103,516, A deleted on the plus strand (T on the coding strand, the reverse complement: RAD51D is on the minus strand). VCF-style (leftmost placement, unchanged base first): chr17-35103515-CA-C. GRCh37 (hg19) VCF-style: chr17-33430534-CA-C.
Other names: c.665del, p.Val222fs (NM_001142571.2); c.269del, p.Val90fs (NM_133629.3); short protein forms V202fs, V90fs, V222fs.
Identifiers: ClinVar variation 3148641 (VCV003148641.1), dbSNP rs2509130471, ClinGen allele CA2825002491.